The following is an entry in ClinVar:

NM_015102.5(NPHP4):c.897G>C (p.Gln299His)

Gene: NPHP4 (nephrocystin 4; minus strand). Cytogenetic location: 1p36.31.
Variant type: single nucleotide variant.
Coding change: c.897G>C on transcript NM_015102.5 (MANE Select); coding-DNA position 897, G replaced by C.
Protein change: p.Gln299His; replaces glutamine 299 with histidine.
Molecular consequence: missense variant. On other transcripts: 5 prime UTR variant (2), non-coding transcript variant (1).
Genome position (GRCh38, 1-based): chr1:5,948,165, C>G on the plus strand (G>C on the coding strand, the complement: NPHP4 is on the minus strand). VCF-style: chr1-5948165-C-G. GRCh37 (hg19) VCF-style: chr1-6008225-C-G.
Other names: c.897G>C (NM_015102.4); c.-470G>C (NM_001291593.2, NM_001291594.2); short protein forms Q299H.
Identifiers: ClinVar variation 2162621 (VCV002162621.5), dbSNP rs1053222741, ClinGen allele CA17156959.

ClinVar aggregate classification (germline): Uncertain significance. Review status: criteria provided, multiple submitters, no conflicts (2 of 4 stars). 2 submissions from 2 submitters: Uncertain significance (2). Last evaluated 2022-08-23.

Conditions:
NPHP4-related disorder. Also called: NPHP4-related condition; NPHP4-related disorders. Identifiers: MedGen CN239384.
Nephronophthisis. Also called: Juvenile Nephronophthisis. Identifiers: Orphanet 655, MedGen C0687120, MONDO:0019005, HP:0000090.

Allele frequency attached by ClinVar (database versions not stated): TOPMed below 0.00001; gnomAD exomes 0.00001.
gnomAD v4.1: 12 of 1,613,330 alleles (0.00074%); highest among the groups gnomAD compares: Non-Finnish European, 0.001%; no homozygotes.

Submissions (2):

PreventionGenetics, part of Exact Sciences
Classification: Uncertain significance for NPHP4-related condition. Last evaluated: 2022-08-23. Review status: criteria provided, single submitter. Criteria: ACMG Guidelines, 2015. Collection method: clinical testing. Allele origin: germline.
Comment: The NPHP4 c.897G>C variant is predicted to result in the amino acid substitution p.Gln299His. To our knowledge, this variant has not been reported in the literature. This variant is reported in 0.00089% of alleles in individuals of European (Non-Finnish) descent in gnomAD. At this time, the clinical significance of this variant is uncertain due to the absence of conclusive functional and genetic evidence.

Labcorp Genetics (formerly Invitae), Labcorp
Classification: Uncertain significance for Nephronophthisis. Last evaluated: 2022-06-14. Review status: criteria provided, single submitter. Criteria: Invitae Variant Classification Sherloc (09022015). Collection method: clinical testing. Allele origin: germline.
Comment: Algorithms developed to predict the effect of missense changes on protein structure and function output the following: SIFT: "Tolerated"; PolyPhen-2: "Benign"; Align-GVGD: "Class C0". The histidine amino acid residue is found in multiple mammalian species, which suggests that this missense change does not adversely affect protein function. In summary, the available evidence is currently insufficient to determine the role of this variant in disease. Therefore, it has been classified as a Variant of Uncertain Significance. This variant has not been reported in the literature in individuals affected with NPHP4-related conditions. This variant is present in population databases (no rsID available, gnomAD 0.0009%). This sequence change replaces glutamine, which is neutral and polar, with histidine, which is basic and polar, at codon 299 of the NPHP4 protein (p.Gln299His).